The following is an entry in ClinVar:

ClinVar aggregate classification (germline): Likely benign (0 of 4 stars; one submission).

Conditions:
CUL3-related disorder. Also called: CUL3-related disorders; CUL3-related condition.

Allele frequency attached by ClinVar (database versions not stated): TOPMed below 0.00001.

Submission:

PreventionGenetics, part of Exact Sciences
Classification: Likely benign for CUL3-related condition. Last evaluated: 2019-08-29. Review status: no assertion criteria provided. Collection method: clinical testing. Allele origin: germline.
Comment: This variant is classified as likely benign based on ACMG/AMP sequence variant interpretation guidelines (Richards et al. 2015 PMID: 25741868, with internal and published modifications).

NM_003590.5(CUL3):c.66+10T>C

Genes: CUL3 (cullin 3; minus strand), LOC129935709 (ATAC-STARR-seq lymphoblastoid silent region 12382; plus strand). Cytogenetic location: 2q36.2.
Variant type: single nucleotide variant.
Coding change: c.66+10T>C on transcript NM_003590.5 (MANE Select); 10 bases into the intron after coding-DNA position 66, T replaced by C.
Molecular consequence: intron variant.
Genome position (GRCh38, 1-based): chr2:224,584,934, A>G on the plus strand (T>C on the coding strand, the complement: CUL3 is on the minus strand). VCF-style: chr2-224584934-A-G. GRCh37 (hg19) VCF-style: chr2-225449651-A-G.
Other names: c.66+10T>C (NM_001257197.2).
Identifiers: ClinVar variation 3052679 (VCV003052679.2), dbSNP rs1695544465, ClinGen allele CA1042871242.